The following is an entry in ClinVar:

ClinVar aggregate classification (germline): Likely benign. Review status: criteria provided, multiple submitters, no conflicts (2 of 4 stars). 4 submissions from 4 submitters: Likely benign (4). Last evaluated 2026-01-28.

Conditions:
Tumor predisposition syndrome 3 (TPDS3). Also called: Glioma susceptibility 9; LONG TELOMERE SYNDROME, POT1-RELATED; POT1 Tumor Predisposition; Melanoma, cutaneous malignant, susceptibility to, 10. Identifiers: Orphanet 618, MedGen C4014476, MONDO:0014368, OMIM 615848.
Hereditary cancer-predisposing syndrome. Also called: Hereditary neoplastic syndrome; Hereditary Cancer Syndrome; Neoplastic Syndromes, Hereditary; Tumor predisposition. Identifiers: Orphanet 140162, MedGen C0027672, MeSH D009386, MONDO:0015356.

Allele frequency attached by ClinVar (database versions not stated): TOPMed 0.00003; gnomAD exomes 0.00004 and 0.00002; ExAC 0.00003.

Submissions (4):

Labcorp Genetics (formerly Invitae), Labcorp
Classification: Likely benign for Tumor predisposition syndrome 3. Last evaluated: 2026-01-28. Review status: criteria provided, single submitter. Criteria: Invitae Variant Classification Sherloc (09022015). Collection method: clinical testing. Allele origin: germline.

Mayo Clinic Laboratories, Mayo Clinic
Classification: Likely benign. Last evaluated: 2025-09-15. Review status: criteria provided, single submitter. Criteria: ACMG Guidelines, 2015. Collection method: clinical testing. Allele origin: germline. Observed: 1 variant allele.
Comment: BS1, BP4, BP7

Ambry Genetics
Classification: Likely benign for Hereditary cancer-predisposing syndrome. Last evaluated: 2019-03-25. Review status: criteria provided, single submitter. Criteria: Ambry Variant Classification Scheme 2023. Collection method: clinical testing. Allele origin: germline.

GeneDx
Classification: Likely benign. Last evaluated: 2018-01-24. Review status: criteria provided, single submitter. Criteria: GeneDx Variant Classification (06012015). Collection method: clinical testing. Allele origin: germline. Affected: yes.
Comment: This variant is considered likely benign or benign based on one or more of the following criteria: it is a conservative change, it occurs at a poorly conserved position in the protein, it is predicted to be benign by multiple in silico algorithms, and/or has population frequency not consistent with disease.

NM_015450.3(POT1):c.1401G>A (p.Ser467=)

Gene: POT1 (protection of telomeres 1; minus strand). Cytogenetic location: 7q31.33.
Variant type: single nucleotide variant.
Coding change: c.1401G>A on transcript NM_015450.3 (MANE Select); coding-DNA position 1401, G replaced by A.
Protein change: p.Ser467=; no amino-acid change (serine 467 retained).
Molecular consequence: synonymous variant. On other transcripts: non-coding transcript variant (3).
Genome position (GRCh38, 1-based): chr7:124,835,383, C>T on the plus strand (G>A on the coding strand, the complement: POT1 is on the minus strand). VCF-style: chr7-124835383-C-T. GRCh37 (hg19) VCF-style: chr7-124475437-C-T.
Other names: p.Ser467=; c.1008G>A, p.Ser336= (NM_001042594.2).
Identifiers: ClinVar variation 475043 (VCV000475043.17), dbSNP rs775385144, ClinGen allele CA4465131.